The following is an entry in ClinVar:

NM_000548.5(TSC2):c.4610T>G (p.Ile1537Ser)

Gene: TSC2 (TSC complex subunit 2; plus strand). Cytogenetic location: 16p13.3.
Variant type: single nucleotide variant.
Coding change: c.4610T>G on transcript NM_000548.5 (MANE Select); coding-DNA position 4610, T replaced by G.
Protein change: p.Ile1537Ser; replaces isoleucine 1537 with serine.
Molecular consequence: missense variant.
Genome position (GRCh38, 1-based): chr16:2,085,270, T>G. VCF-style: chr16-2085270-T-G. GRCh37 (hg19) VCF-style: chr16-2135271-T-G.
Other names: c.4409T>G, p.Ile1470Ser (NM_001077183.3); c.4541T>G, p.Ile1514Ser (NM_001114382.3); c.4301T>G, p.Ile1434Ser (NM_001318827.2); c.4265T>G, p.Ile1422Ser (NM_001318829.2); c.3878T>G, p.Ile1293Ser (NM_001318831.2); c.4442T>G, p.Ile1481Ser (NM_001318832.2); c.4412T>G, p.Ile1471Ser (NM_001363528.2); c.4478T>G, p.Ile1493Ser (NM_001370404.1); and 1 more; short protein forms I1293S, I1494S, I1493S, I1537S, I1422S, I1434S, I1471S, I1470S.
Identifiers: ClinVar variation 1509011 (VCV001509011.8), dbSNP rs760056622, ClinGen allele CA394304696.
Genomic context (GRCh38, chr16:2,085,270, plus strand): 5'-CAGGGCTCTGTGTGCCACAGTCACAGTCCTTTGAGCGGTCGGTGCAGCTCCTCGACCAGA[T>G]CCCATCATACGACACCCACAAGATCGCCGTCCTGTATGTTGGAGAAGGCCAGGTGAGGCT-3'
Protein context (NP_000539.2, residues 1527-1547): FERSVQLLDQ[Ile1537Ser]PSYDTHKIAV

ClinVar aggregate classification (germline): Uncertain significance (1 of 4 stars; one submission).

Conditions:
Tuberous sclerosis 2 (TSC2). Identifiers: Orphanet 805, MedGen C1860707, MONDO:0013199, OMIM 613254.

Submission:

Labcorp Genetics (formerly Invitae), Labcorp
Classification: Uncertain significance for Tuberous sclerosis 2. Last evaluated: 2025-10-30. Review status: criteria provided, single submitter. Criteria: Invitae Variant Classification Sherloc (09022015). Collection method: clinical testing. Allele origin: germline.
Comment: This sequence change replaces isoleucine, which is neutral and non-polar, with serine, which is neutral and polar, at codon 1537 of the TSC2 protein (p.Ile1537Ser). This variant is not present in population databases (gnomAD no frequency). This variant has not been reported in the literature in individuals affected with TSC2-related conditions. ClinVar contains an entry for this variant (Variation ID: 1509011). Invitae Evidence Modeling of protein sequence and biophysical properties (such as structural, functional, and spatial information, amino acid conservation, physicochemical variation, residue mobility, and thermodynamic stability) indicates that this missense variant is not expected to disrupt TSC2 protein function with a negative predictive value of 95%. In summary, the available evidence is currently insufficient to determine the role of this variant in disease. Therefore, it has been classified as a Variant of Uncertain Significance.